The following is an entry in ClinVar:

ClinVar aggregate classification (germline): Uncertain significance. Review status: criteria provided, multiple submitters, no conflicts (2 of 4 stars). 3 submissions from 3 submitters: Uncertain significance (3). Last evaluated 2023-05-04.

Conditions:
Catecholaminergic polymorphic ventricular tachycardia (CVPT). Also called: Catecholamine-induced polymorphic ventricular tachycardia. Identifiers: Orphanet 3286, MedGen C5574922, MONDO:0017990.
Catecholaminergic polymorphic ventricular tachycardia 1. Also called: VENTRICULAR TACHYCARDIA, CATECHOLAMINERGIC POLYMORPHIC, 1, WITH OR WITHOUT ATRIAL DYSFUNCTION AND/OR DILATED CARDIOMYOPATHY; RYR2-Related Catecholaminergic Polymorphic Ventricular Tachycardia; VENTRICULAR TACHYCARDIA, STRESS-INDUCED POLYMORPHIC 1. Identifiers: Orphanet 3286, MedGen C1631597, MONDO:0011484, OMIM 604772.

Submissions (3):

All of Us Research Program, National Institutes of Health
Classification: Uncertain significance for Catecholaminergic polymorphic ventricular tachycardia. Last evaluated: 2023-05-04. Review status: criteria provided, single submitter. Criteria: ACMG Guidelines, 2015. Collection method: clinical testing. Allele origin: germline. Inheritance: Autosomal dominant inheritance. Observed: 1 variant allele, 1 heterozygote.
Comment: This missense variant replaces glutamic acid with glutamine at codon 243 of the RYR2 protein. Computational prediction suggests that this variant may have deleterious impact on protein structure and function (internally defined REVEL score threshold >= 0.7, PMID: 27666373). To our knowledge, functional studies have not been reported for this variant. This variant has not been reported in individuals affected with RYR2-related disorders in the literature. This variant has not been identified in the general population by the Genome Aggregation Database (gnomAD). The available evidence is insufficient to determine the role of this variant in disease conclusively. Therefore, this variant is classified as a Variant of Uncertain Significance.

This study involves interpretation of variants in research participants for the purpose of population health screening. Participant phenotype was not available at the time of variant classification. Additional details can be found in publication PMID: 35346344, PMCID: PMC8962531

AiLife Diagnostics
Classification: Uncertain significance. Last evaluated: 2021-09-08. Review status: criteria provided, single submitter. Criteria: ACMG Guidelines, 2015. Collection method: clinical testing. Allele origin: germline. Affected: yes. Observed: 1 variant allele.

Labcorp Genetics (formerly Invitae), Labcorp
Classification: Uncertain significance for Catecholaminergic polymorphic ventricular tachycardia 1. Last evaluated: 2019-12-03. Review status: criteria provided, single submitter. Criteria: Invitae Variant Classification Sherloc (09022015). Collection method: clinical testing. Allele origin: germline.
Comment: In summary, the available evidence is currently insufficient to determine the role of this variant in disease. Therefore, it has been classified as a Variant of Uncertain Significance. Algorithms developed to predict the effect of missense changes on protein structure and function (SIFT, PolyPhen-2, Align-GVGD) all suggest that this variant is likely to be disruptive, but these predictions have not been confirmed by published functional studies and their clinical significance is uncertain. This variant has not been reported in the literature in individuals with RYR2-related conditions. This variant is not present in population databases (ExAC no frequency). This sequence change replaces glutamic acid with glutamine at codon 243 of the RYR2 protein (p.Glu243Gln). The glutamic acid residue is highly conserved and there is a small physicochemical difference between glutamic acid and glutamine.

NM_001035.3(RYR2):c.727G>C (p.Glu243Gln)

Gene: RYR2 (ryanodine receptor 2; plus strand). Cytogenetic location: 1q43.
Variant type: single nucleotide variant.
Coding change: c.727G>C on transcript NM_001035.3 (MANE Select); coding-DNA position 727, G replaced by C.
Protein change: p.Glu243Gln; replaces glutamic acid 243 with glutamine.
Molecular consequence: missense variant.
Genome position (GRCh38, 1-based): chr1:237,388,137, G>C. VCF-style: chr1-237388137-G-C. GRCh37 (hg19) VCF-style: chr1-237551437-G-C.
Other names: short protein forms E243Q.
Identifiers: ClinVar variation 835378 (VCV000835378.13), dbSNP rs794728712, ClinGen allele CA345378266.